The following is an entry in ClinVar:

ClinVar aggregate classification (germline): Uncertain significance (1 of 4 stars; one submission).

Conditions:
Combined immunodeficiency with skin granulomas. Identifiers: Orphanet 157949, MedGen C2673536, MONDO:0009306, OMIM 233650.
Severe combined immunodeficiency, autosomal recessive, T cell-negative, B cell-negative, NK cell-positive. Also called: SCID, T CELL-NEGATIVE, B CELL-NEGATIVE, NK CELL-POSITIVE; Severe combined immunodeficiency due to complete RAG1/2 deficiency; SCID, AR, T-cell negative, B-cell negative, NK cell-positive. Identifiers: Orphanet 331206, MedGen C1832322, MONDO:0011086, OMIM 601457.

Allele frequency attached by ClinVar (database versions not stated): gnomAD 0.00001.
gnomAD v4.1: 14 of 1,614,074 alleles (0.00087%); highest among the groups gnomAD compares: African/African-American, 0.0013%; no homozygotes.

Submission:

Labcorp Genetics (formerly Invitae), Labcorp
Classification: Uncertain significance for Combined immunodeficiency with skin granulomas; Severe combined immunodeficiency, autosomal recessive, T cell-negative, B cell-negative, NK cell-positive. Last evaluated: 2021-02-18. Review status: criteria provided, single submitter. Criteria: Invitae Variant Classification Sherloc (09022015). Collection method: clinical testing. Allele origin: germline.
Comment: This sequence change replaces aspartic acid with glutamic acid at codon 153 of the RAG1 protein (p.Asp153Glu). The aspartic acid residue is moderately conserved and there is a small physicochemical difference between aspartic acid and glutamic acid. This variant is not present in population databases (ExAC no frequency). In summary, the available evidence is currently insufficient to determine the role of this variant in disease. Therefore, it has been classified as a Variant of Uncertain Significance. Advanced modeling of protein sequence and biophysical properties (such as structural, functional, and spatial information, amino acid conservation, physicochemical variation, residue mobility, and thermodynamic stability) performed at Invitae indicates that this missense variant is not expected to disrupt RAG1 protein function. This variant has not been reported in the literature in individuals with RAG1-related conditions.

NM_000448.3(RAG1):c.459C>G (p.Asp153Glu)

Gene: RAG1 (recombination activating 1; plus strand). Cytogenetic location: 11p12.
Variant type: single nucleotide variant.
Coding change: c.459C>G on transcript NM_000448.3 (MANE Select); coding-DNA position 459, C replaced by G.
Protein change: p.Asp153Glu; replaces aspartic acid 153 with glutamic acid.
Molecular consequence: missense variant.
Genome position (GRCh38, 1-based): chr11:36,573,763, C>G. VCF-style: chr11-36573763-C-G. GRCh37 (hg19) VCF-style: chr11-36595313-C-G.
Other names: c.459C>G, p.Asp153Glu (NM_001377277.1, NM_001377278.1, NM_001377279.1 and 1 more transcripts); short protein forms D153E.
Identifiers: ClinVar variation 1495104 (VCV001495104.6), dbSNP rs1487804801, ClinGen allele CA380146595.
Genomic context (GRCh38, chr11:36,573,763, plus strand): 5'-GGATGGTAAAACCCTAGGCCTTTTACGAAAGAAGGAAAAGAGAGCTACTTCCTGGCCGGA[C>G]CTCATTGCCAAGGTTTTCCGGATCGATGTGAAGGCAGATGTTGACTCGATCCACCCCACT-3'
Protein context (NP_000439.2, residues 143-163): KKEKRATSWP[Asp153Glu]LIAKVFRIDV